The following is an entry in ClinVar:

NM_138694.4(PKHD1):c.1118+1G>T

Gene: PKHD1 (PKHD1 ciliary IPT domain containing fibrocystin/polyductin; minus strand). Cytogenetic location: 6p12.2.
Variant type: single nucleotide variant.
Coding change: c.1118+1G>T on transcript NM_138694.4 (MANE Select); the canonical splice donor site of the intron after coding-DNA position 1118, G replaced by T.
Molecular consequence: splice donor variant.
Genome position (GRCh38, 1-based): chr6:52,062,518, C>A on the plus strand (G>T on the coding strand, the complement: PKHD1 is on the minus strand). VCF-style: chr6-52062518-C-A. GRCh37 (hg19) VCF-style: chr6-51927316-C-A.
Other names: c.1118+1G>T (NM_170724.3).
Identifiers: ClinVar variation 933731 (VCV000933731.13), dbSNP rs1808826795, ClinGen allele CA364428281.

ClinVar aggregate classification (germline): Likely pathogenic. Review status: criteria provided, single submitter (1 of 4 stars). 2 submissions from 2 submitters: Likely pathogenic (1). 1 of the submissions does not count toward it. Last evaluated 2022-08-23.

Conditions:
Autosomal recessive polycystic kidney disease (ARPKD). Also called: AR polycystic kidney disease. Identifiers: Orphanet 731, Orphanet 8378, MedGen C0085548, MeSH D017044, MONDO:0009889.

Submissions (2):

Labcorp Genetics (formerly Invitae), Labcorp
Classification: Likely pathogenic for Autosomal recessive polycystic kidney disease. Last evaluated: 2022-08-23. Review status: criteria provided, single submitter. Criteria: Invitae Variant Classification Sherloc (09022015). Collection method: clinical testing. Allele origin: germline.
Comment: This sequence change affects a donor splice site in intron 14 of the PKHD1 gene. It is expected to disrupt RNA splicing. Variants that disrupt the donor or acceptor splice site typically lead to a loss of protein function (PMID: 16199547), and loss-of-function variants in PKHD1 are known to be pathogenic (PMID: 19940839). This variant is not present in population databases (gnomAD no frequency). This variant has not been reported in the literature in individuals affected with PKHD1-related conditions. ClinVar contains an entry for this variant (Variation ID: 933731). Algorithms developed to predict the effect of sequence changes on RNA splicing suggest that this variant may disrupt the consensus splice site. In summary, the currently available evidence indicates that the variant is pathogenic, but additional data are needed to prove that conclusively. Therefore, this variant has been classified as Likely Pathogenic.

Natera, Inc.
Classification: Likely pathogenic for Autosomal recessive polycystic kidney disease. Last evaluated: 2020-10-23. Review status: no assertion criteria provided. Collection method: clinical testing. Allele origin: germline. Not counted in ClinVar's aggregate classification.

Literature cited by the submitters: PubMed 16199547 (cited by Labcorp Genetics (formerly Invitae), Labcorp); PubMed 19940839 (cited by Labcorp Genetics (formerly Invitae), Labcorp).